The following is an entry in ClinVar:

NM_021927.3(GUF1):c.689C>G (p.Thr230Arg)

Gene: GUF1 (GTP binding elongation factor GUF1; plus strand). Cytogenetic location: 4p12.
Variant type: single nucleotide variant.
Coding change: c.689C>G on transcript NM_021927.3 (MANE Select); coding-DNA position 689, C replaced by G.
Protein change: p.Thr230Arg; replaces threonine 230 with arginine.
Molecular consequence: missense variant. On other transcripts: 5 prime UTR variant (2).
Genome position (GRCh38, 1-based): chr4:44,685,978, C>G. VCF-style: chr4-44685978-C-G. GRCh37 (hg19) VCF-style: chr4-44687995-C-G.
Other names: c.-284C>G (NM_001345867.2, NM_001345869.2); c.689C>G, p.Thr230Arg (NM_001345868.2); short protein forms T230R.
Identifiers: ClinVar variation 1506302 (VCV001506302.8), dbSNP rs757598628, ClinGen allele CA356762132.

ClinVar aggregate classification (germline): Uncertain significance (1 of 4 stars; one submission).

gnomAD v4.1: 22 of 1,605,364 alleles (0.0014%); highest among the groups gnomAD compares: Non-Finnish European, 0.0018%; no homozygotes.

Submission:

Labcorp Genetics (formerly Invitae), Labcorp
Classification: Uncertain significance. Last evaluated: 2025-05-11. Review status: criteria provided, single submitter. Criteria: Invitae Variant Classification Sherloc (09022015). Collection method: clinical testing. Allele origin: germline.
Comment: This sequence change replaces threonine, which is neutral and polar, with arginine, which is basic and polar, at codon 230 of the GUF1 protein (p.Thr230Arg). This variant is not present in population databases (gnomAD no frequency). This variant has not been reported in the literature in individuals affected with GUF1-related conditions. ClinVar contains an entry for this variant (Variation ID: 1506302). Invitae Evidence Modeling of protein sequence and biophysical properties (such as structural, functional, and spatial information, amino acid conservation, physicochemical variation, residue mobility, and thermodynamic stability) indicates that this missense variant is not expected to disrupt GUF1 protein function with a negative predictive value of 80%. In summary, the available evidence is currently insufficient to determine the role of this variant in disease. Therefore, it has been classified as a Variant of Uncertain Significance.